The following is an entry in ClinVar:

NM_020831.6(MRTFA):c.2954T>A (p.Leu985Gln)

Gene: MRTFA (myocardin related transcription factor A; minus strand). Cytogenetic location: 22q13.1.
Variant type: single nucleotide variant.
Coding change: c.2954T>A on transcript NM_020831.6 (MANE Select); coding-DNA position 2954, T replaced by A.
Protein change: p.Leu985Gln; replaces leucine 985 with glutamine.
Molecular consequence: missense variant. On other transcripts: 3 prime UTR variant (1).
Genome position (GRCh38, 1-based): chr22:40,411,532, A>T on the plus strand (T>A on the coding strand, the complement: MRTFA is on the minus strand). VCF-style: chr22-40411532-A-T. GRCh37 (hg19) VCF-style: chr22-40807536-A-T.
Other names: c.2654T>A, p.Leu885Gln (NM_001282660.2); c.2804T>A, p.Leu935Gln (NM_001282661.3); c.*267T>A (NM_001282662.3); c.2759T>A, p.Leu920Gln (NM_001318139.2); short protein forms L935Q, L885Q, L920Q, L985Q.
Identifiers: ClinVar variation 2036652 (VCV002036652.4), dbSNP rs747886632, ClinGen allele CA411651549.
Genomic context (GRCh38, chr22:40,411,532, plus strand): 5'-AGGGGGGCTAGGCTCAGCACGGGACCACCTGACGACAGCTCCAGCCAGTCCATGCTGTCC[A>T]GGTGGCCATCAGCCAGGTCCAGGCCCATGGTGCTGCTGGGCTCAGGAACAAAGTGCAATT-3'
Protein context (NP_065882.2, residues 975-995): TMGLDLADGH[Leu985Gln]DSMDWLELSS

ClinVar aggregate classification (germline): Uncertain significance (1 of 4 stars; one submission).

Submission:

Labcorp Genetics (formerly Invitae), Labcorp
Classification: Uncertain significance. Last evaluated: 2022-10-23. Review status: criteria provided, single submitter. Criteria: Invitae Variant Classification Sherloc (09022015). Collection method: clinical testing. Allele origin: germline.
Comment: In summary, the available evidence is currently insufficient to determine the role of this variant in disease. Therefore, it has been classified as a Variant of Uncertain Significance. Algorithms developed to predict the effect of missense changes on protein structure and function are either unavailable or do not agree on the potential impact of this missense change (SIFT: "Tolerated"; PolyPhen-2: "Probably Damaging"; Align-GVGD: "Class C0"). This variant has not been reported in the literature in individuals affected with MKL1-related conditions. This variant is not present in population databases (gnomAD no frequency). This sequence change replaces leucine, which is neutral and non-polar, with glutamine, which is neutral and polar, at codon 885 of the MKL1 protein (p.Leu885Gln).